The following is an entry in ClinVar:

ClinVar aggregate classification (germline): Pathogenic (1 of 4 stars; one submission).

Submission:

Labcorp Genetics (formerly Invitae), Labcorp
Classification: Pathogenic. Last evaluated: 2022-01-13. Review status: criteria provided, single submitter. Criteria: Invitae Variant Classification Sherloc (09022015). Collection method: clinical testing. Allele origin: germline.
Comment: A gross deletion of the genomic region encompassing the full coding sequence of the TNFRSF11B gene has been identified. Loss-of-function variants in TNFRSF11B are known to be pathogenic (PMID: 9647741, 26762549). The boundaries of this event are unknown as they extend beyond the assayed region for this gene and therefore may encompass additional genes. A similar copy number variant has been observed in individuals with juvenile Paget disease of bone (PMID: 12124406). For these reasons, this variant has been classified as Pathogenic.

Literature cited by the submitters: PubMed 9647741; PubMed 26762549; PubMed 12124406.

NC_000008.10:g.(?_117859739)_(120844804_?)del

Genes: ENPP2 (ectonucleotide pyrophosphatase/phosphodiesterase 2; minus strand), SLC30A8 (solute carrier family 30 member 8; plus strand), AARD (alanine and arginine rich domain containing protein; plus strand), CCN3 (cellular communication network factor 3; plus strand), COLEC10 (collectin subfamily member 10; plus strand) and 7 more. Cytogenetic location: 8q24.11-24.12.
Variant type: Deletion.
Identifiers: ClinVar variation 2424480 (VCV002424480.3).